The following is an entry in ClinVar:

ClinVar aggregate classification (germline): Uncertain significance (1 of 4 stars; one submission).

Submission:

Labcorp Genetics (formerly Invitae), Labcorp
Classification: Uncertain significance. Last evaluated: 2023-04-24. Review status: criteria provided, single submitter. Criteria: Invitae Variant Classification Sherloc (09022015). Collection method: clinical testing. Allele origin: germline.
Comment: Advanced modeling of protein sequence and biophysical properties (such as structural, functional, and spatial information, amino acid conservation, physicochemical variation, residue mobility, and thermodynamic stability) performed at Invitae indicates that this missense variant is not expected to disrupt NEUROD1 protein function. In summary, the available evidence is currently insufficient to determine the role of this variant in disease. Therefore, it has been classified as a Variant of Uncertain Significance. This variant has not been reported in the literature in individuals affected with NEUROD1-related conditions. This variant is not present in population databases (gnomAD no frequency). This sequence change replaces serine, which is neutral and polar, with tyrosine, which is neutral and polar, at codon 220 of the NEUROD1 protein (p.Ser220Tyr).

NM_002500.5(NEUROD1):c.659C>A (p.Ser220Tyr)

Gene: NEUROD1 (neuronal differentiation 1; minus strand). Cytogenetic location: 2q31.3.
Variant type: single nucleotide variant.
Coding change: c.659C>A on transcript NM_002500.5 (MANE Select); coding-DNA position 659, C replaced by A.
Protein change: p.Ser220Tyr; replaces serine 220 with tyrosine.
Molecular consequence: missense variant.
Genome position (GRCh38, 1-based): chr2:181,678,202, G>T on the plus strand (C>A on the coding strand, the complement: NEUROD1 is on the minus strand). VCF-style: chr2-181678202-G-T. GRCh37 (hg19) VCF-style: chr2-182542929-G-T.
Other names: short protein forms S220Y.
Identifiers: ClinVar variation 2858799 (VCV002858799.3), dbSNP rs2468609919, ClinGen allele CA349783501.